The following is an entry in ClinVar:

ClinVar aggregate classification (germline): Benign/Likely benign. Review status: criteria provided, multiple submitters, no conflicts (2 of 4 stars). 3 submissions from 3 submitters: Benign (1); Likely benign (2). Last evaluated 2025-07-07.

Conditions:
Von Hippel-Lindau syndrome (VHLS). Also called: Von Hippel-Lindau; von Hippel–Lindau syndrome; VHL syndrome. Identifiers: Orphanet 892, MedGen C0019562, MONDO:0008667, OMIM 193300. Disease mechanism: loss of function.
Hereditary cancer-predisposing syndrome. Also called: Hereditary Cancer Syndrome; Hereditary neoplastic syndrome; Tumor predisposition; Neoplastic Syndromes, Hereditary. Identifiers: Orphanet 140162, MedGen C0027672, MeSH D009386, MONDO:0015356.

Submissions (3):

Color Diagnostics, LLC DBA Color Health
Classification: Likely benign for Von Hippel-Lindau syndrome. Last evaluated: 2025-07-07. Review status: criteria provided, single submitter. Criteria: ACMG Guidelines, 2015. Collection method: clinical testing. Allele origin: germline.

Myriad Genetics, Inc.
Classification: Benign for Von Hippel-Lindau syndrome. Last evaluated: 2025-06-12. Review status: criteria provided, single submitter. Criteria: Myriad Autosomal Dominant, Autosomal Recessive and X-Linked Classification Criteria (2023). Collection method: clinical testing. Allele origin: unknown.
Comment: This variant is considered benign. This variant is a silent/synonymous amino acid change and it is not expected to impact splicing.

Ambry Genetics
Classification: Likely benign for Hereditary cancer-predisposing syndrome. Last evaluated: 2025-02-05. Review status: criteria provided, single submitter. Criteria: Ambry Variant Classification Scheme 2023. Collection method: clinical testing. Allele origin: germline.

NM_000551.4(VHL):c.378T>C (p.Asp126=)

Genes: VHL (von Hippel-Lindau tumor suppressor; plus strand), LOC107303340 (3p25 von Hippel-Lindau tumor suppressor, E3 ubiquitin protein ligase Alu-mediated recombination region; plus strand). Cytogenetic location: 3p25.3.
Variant type: single nucleotide variant.
Coding change: c.378T>C on transcript NM_000551.4 (MANE Select); coding-DNA position 378, T replaced by C.
Protein change: p.Asp126=; no amino-acid change (aspartic acid 126 retained).
Molecular consequence: synonymous variant. On other transcripts: non-coding transcript variant (1), intron variant (2).
Genome position (GRCh38, 1-based): chr3:10,146,551, T>C. VCF-style: chr3-10146551-T-C. GRCh37 (hg19) VCF-style: chr3-10188235-T-C.
Other names: c.*18-3236T>C (NM_001354723.2); c.341-3236T>C (NM_198156.3).
Identifiers: ClinVar variation 3814970 (VCV003814970.3).